The following is an entry in ClinVar:

NM_001031679.3(MSRB3):c.337T>C (p.Phe113Leu)

Gene: MSRB3 (methionine sulfoxide reductase B3; plus strand). Cytogenetic location: 12q14.3.
Variant type: single nucleotide variant.
Coding change: c.337T>C on transcript NM_001031679.3 (MANE Select); coding-DNA position 337, T replaced by C.
Protein change: p.Phe113Leu; replaces phenylalanine 113 with leucine.
Molecular consequence: missense variant.
Genome position (GRCh38, 1-based): chr12:65,453,772, T>C. VCF-style: chr12-65453772-T-C. GRCh37 (hg19) VCF-style: chr12-65847552-T-C.
Other names: c.337T>C, p.Phe113Leu (NM_001193460.2, NM_001193461.2); c.358T>C, p.Phe120Leu (NM_198080.4); short protein forms F113L, F120L.
Identifiers: ClinVar variation 1995818 (VCV001995818.4), dbSNP rs2499369651, ClinGen allele CA385677736.

ClinVar aggregate classification (germline): Uncertain significance (1 of 4 stars; one submission).

Submission:

Labcorp Genetics (formerly Invitae), Labcorp
Classification: Uncertain significance. Last evaluated: 2022-05-17. Review status: criteria provided, single submitter. Criteria: Invitae Variant Classification Sherloc (09022015). Collection method: clinical testing. Allele origin: germline.
Comment: This sequence change replaces phenylalanine, which is neutral and non-polar, with leucine, which is neutral and non-polar, at codon 120 of the MSRB3 protein (p.Phe120Leu). This variant is not present in population databases (gnomAD no frequency). This variant has not been reported in the literature in individuals affected with MSRB3-related conditions. Algorithms developed to predict the effect of missense changes on protein structure and function output the following: SIFT: "Tolerated"; PolyPhen-2: "Benign"; Align-GVGD: "Class C0". The leucine amino acid residue is found in multiple mammalian species, which suggests that this missense change does not adversely affect protein function. In summary, the available evidence is currently insufficient to determine the role of this variant in disease. Therefore, it has been classified as a Variant of Uncertain Significance.